The following is an entry in ClinVar:

NM_001040142.2(SCN2A):c.608A>T (p.Tyr203Phe)

Gene: SCN2A (sodium voltage-gated channel alpha subunit 2; plus strand). Cytogenetic location: 2q24.3.
Variant type: single nucleotide variant.
Coding change: c.608A>T on transcript NM_001040142.2 (MANE Select); coding-DNA position 608, A replaced by T.
Protein change: p.Tyr203Phe; replaces tyrosine 203 with phenylalanine.
Molecular consequence: missense variant. On other transcripts: intron variant (2).
Genome position (GRCh38, 1-based): chr2:165,309,354, A>T. VCF-style: chr2-165309354-A-T. GRCh37 (hg19) VCF-style: chr2-166165864-A-T.
Other names: c.608A>T, p.Tyr203Phe (NM_001371247.1, NM_021007.3); c.697+98A>T (NM_001040143.2, NM_001371246.1); short protein forms Y203F.
Identifiers: ClinVar variation 2950225 (VCV002950225.3), dbSNP rs2467886835, ClinGen allele CA349017270.

ClinVar aggregate classification (germline): Uncertain significance (1 of 4 stars; one submission).

Conditions:
Developmental and epileptic encephalopathy, 11 (DEE11). Also called: Early infantile epileptic encephalopathy 11. Identifiers: Orphanet 1934, MedGen C3150987, MONDO:0013388, OMIM 613721.
Seizures, benign familial infantile, 3 (BFIS3). Also called: Familial neonatal seizures; CONVULSIONS, BENIGN FAMILIAL INFANTILE, 3. Identifiers: Orphanet 140927, Orphanet 306, MedGen C1843140, MONDO:0011904, OMIM 607745.

Submission:

Labcorp Genetics (formerly Invitae), Labcorp
Classification: Uncertain significance for Seizures, benign familial infantile, 3; Developmental and epileptic encephalopathy, 11. Last evaluated: 2024-09-30. Review status: criteria provided, single submitter. Criteria: Invitae Variant Classification Sherloc (09022015). Collection method: clinical testing. Allele origin: germline.
Comment: This sequence change replaces tyrosine, which is neutral and polar, with phenylalanine, which is neutral and non-polar, at codon 203 of the SCN2A protein (p.Tyr203Phe). This variant is not present in population databases (gnomAD no frequency). This variant has not been reported in the literature in individuals affected with SCN2A-related conditions. An algorithm developed to predict the effect of missense changes on protein structure and function (PolyPhen-2) suggests that this variant is likely to be disruptive. In summary, the available evidence is currently insufficient to determine the role of this variant in disease. Therefore, it has been classified as a Variant of Uncertain Significance.